The following is an entry in ClinVar:

ClinVar aggregate classification (germline): Benign. Review status: criteria provided, multiple submitters, no conflicts (2 of 4 stars). 4 submissions from 4 submitters: Benign (3). 1 of the submissions does not count toward it. Last evaluated 2023-04-12.

Conditions:
LRIG2-related disorder. Also called: LRIG2-related condition.

Allele frequency attached by ClinVar (database versions not stated): gnomAD exomes 0.00181 and 0.00473; ESP Exome Variant Server 0.01853; gnomAD 0.01862 and 0.01750; ExAC 0.00576; 1000 Genomes Project 0.01877; TOPMed 0.01948; 1000 Genomes Project 30x 0.02046.
gnomAD v4.1: 5,402 of 1,613,898 alleles (0.33%); highest among the groups gnomAD compares: African/African-American, 6.2%; 153 homozygotes.

Submissions (4):

Mayo Clinic Laboratories, Mayo Clinic
Classification: Benign. Last evaluated: 2023-04-12. Review status: criteria provided, single submitter. Criteria: ACMG Guidelines, 2015. Collection method: clinical testing. Allele origin: germline. Observed: 2 variant alleles.

Labcorp Genetics (formerly Invitae), Labcorp
Classification: Benign. Last evaluated: 2019-12-31. Review status: criteria provided, single submitter. Criteria: Invitae Variant Classification Sherloc (09022015). Collection method: clinical testing. Allele origin: germline.

Breakthrough Genomics
Classification: Benign. Review status: criteria provided, single submitter. Criteria: ACMG Guidelines, 2015. Collection method: not provided. Allele origin: germline. Inheritance: Autosomal recessive inheritance. Affected: yes.

PreventionGenetics, part of Exact Sciences
Classification: Benign for LRIG2-related condition. Last evaluated: 2024-06-14. Review status: no assertion criteria provided. Collection method: clinical testing. Allele origin: germline. Not counted in ClinVar's aggregate classification.
Comment: This variant is classified as benign based on ACMG/AMP sequence variant interpretation guidelines (Richards et al. 2015 PMID: 25741868, with internal and published modifications).

NM_014813.3(LRIG2):c.1405G>A (p.Val469Ile)

Gene: LRIG2 (leucine rich repeats and immunoglobulin like domains 2; plus strand). Cytogenetic location: 1p13.2.
Variant type: single nucleotide variant.
Coding change: c.1405G>A on transcript NM_014813.3 (MANE Select); coding-DNA position 1405, G replaced by A.
Protein change: p.Val469Ile; replaces valine 469 with isoleucine.
Molecular consequence: missense variant.
Genome position (GRCh38, 1-based): chr1:113,107,685, G>A. VCF-style: chr1-113107685-G-A. GRCh37 (hg19) VCF-style: chr1-113650307-G-A.
Other names: p.Val469Ile; c.1096G>A, p.Val366Ile (NM_001312686.2); short protein forms V366I, V469I.
Identifiers: ClinVar variation 782384 (VCV000782384.7), dbSNP rs61731624, ClinGen allele CA1012001.